The following is an entry in ClinVar:

ClinVar aggregate classification (germline): Pathogenic (1 of 4 stars; one submission).

Conditions:
Ichthyosis linearis circumflexa. Identifiers: MedGen C0265962, MONDO:0043106, HP:0025810.

Submission:

Labcorp Genetics (formerly Invitae), Labcorp
Classification: Pathogenic for Ichthyosis linearis circumflexa. Last evaluated: 2017-09-25. Review status: criteria provided, single submitter. Criteria: Invitae Variant Classification Sherloc (09022015). Collection method: clinical testing. Allele origin: germline.
Comment: For these reasons, this variant has been classified as Pathogenic. Loss-of-function variants in SPINK5 are known to be pathogenic (PMID: 11511292, 11841556). This variant has not been reported in the literature in individuals with SPINK5-related disease. This variant is not present in population databases (ExAC no frequency). This sequence change creates a premature translational stop signal (p.Lys230Asnfs*3) in the SPINK5 gene. It is expected to result in an absent or disrupted protein product.

Literature cited by the submitters: PubMed 11511292; PubMed 11841556.

NM_006846.4(SPINK5):c.690del (p.Lys230fs)

Gene: SPINK5 (serine peptidase inhibitor Kazal type 5; plus strand). Cytogenetic location: 5q32.
Variant type: Deletion.
Coding change: c.690del on transcript NM_006846.4 (MANE Select); coding-DNA position 690, one base deleted (A; older notation c.690delA).
Protein change: p.Lys230fs; shifts the reading frame from lysine 230.
Molecular consequence: frameshift variant.
Genome position (GRCh38, 1-based): chr5:148,094,377, A deleted; the last of 5 consecutive A bases (chr5:148,094,373-148,094,377); deleting any one gives the same sequence. VCF-style (leftmost placement, unchanged base first): chr5-148094372-GA-G. GRCh37 (hg19) VCF-style: chr5-147473935-GA-G.
Other names: c.690delA (NM_006846.3); c.690del, p.Lys230fs (NM_001127698.2, NM_001127699.2); short protein forms K230fs.
Identifiers: ClinVar variation 570884 (VCV000570884.7), dbSNP rs1561684604, ClinGen allele CA891843075.